The following is an entry in ClinVar:

NM_006662.3(SRCAP):c.4171G>A (p.Gly1391Arg)

Gene: SRCAP (Snf2 related CREBBP activator protein; plus strand). Cytogenetic location: 16p11.2.
Variant type: single nucleotide variant.
Coding change: c.4171G>A on transcript NM_006662.3 (MANE Select); coding-DNA position 4171, G replaced by A.
Protein change: p.Gly1391Arg; replaces glycine 1391 with arginine.
Molecular consequence: missense variant.
Genome position (GRCh38, 1-based): chr16:30,723,595, G>A. VCF-style: chr16-30723595-G-A. GRCh37 (hg19) VCF-style: chr16-30734916-G-A.
Other names: c.4171G>A (NM_006662.2); short protein forms G1391R.
Identifiers: ClinVar variation 3612839 (VCV003612839.3).

ClinVar aggregate classification (germline): Uncertain significance. Review status: criteria provided, multiple submitters, no conflicts (2 of 4 stars). 2 submissions from 2 submitters: Uncertain significance (2). Last evaluated 2025-09-26.

Conditions:
Inborn genetic diseases. Identifiers: MedGen C0950123, MeSH D030342.

gnomAD v4.1: 6 of 1,612,544 alleles (0.00037%); highest among the groups gnomAD compares: Admixed American, 0.0017%; no homozygotes.

Submissions (2):

Ambry Genetics
Classification: Uncertain significance for Inborn genetic diseases. Last evaluated: 2025-09-26. Review status: criteria provided, single submitter. Criteria: Ambry Variant Classification Scheme 2023. Collection method: clinical testing. Allele origin: germline.

Labcorp Genetics (formerly Invitae), Labcorp
Classification: Uncertain significance. Last evaluated: 2025-08-18. Review status: criteria provided, single submitter. Criteria: Invitae Variant Classification Sherloc (09022015). Collection method: clinical testing. Allele origin: germline.
Comment: This sequence change replaces glycine, which is neutral and non-polar, with arginine, which is basic and polar, at codon 1391 of the SRCAP protein (p.Gly1391Arg). This variant is present in population databases (no rsID available, gnomAD 0.004%). This variant has not been reported in the literature in individuals affected with SRCAP-related conditions. ClinVar contains an entry for this variant (Variation ID: 3612839). Invitae Evidence Modeling of protein sequence and biophysical properties (such as structural, functional, and spatial information, amino acid conservation, physicochemical variation, residue mobility, and thermodynamic stability) indicates that this missense variant is not expected to disrupt SRCAP protein function with a negative predictive value of 80%. In summary, the available evidence is currently insufficient to determine the role of this variant in disease. Therefore, it has been classified as a Variant of Uncertain Significance.